The following is an entry in ClinVar:

NM_001127511.3(APC):c.31G>A (p.Ala11Thr)

Gene: APC (APC regulator of Wnt signaling pathway; plus strand). Cytogenetic location: 5q22.2.
Variant type: single nucleotide variant.
Coding change: c.31G>A on transcript NM_001127511.3; coding-DNA position 31, G replaced by A.
Protein change: p.Ala11Thr; replaces alanine 11 with threonine.
Molecular consequence: missense variant. On other transcripts: 5 prime UTR variant (8), non-coding transcript variant (1), intron variant (5).
Genome position (GRCh38, 1-based): chr5:112,707,748, G>A. VCF-style: chr5-112707748-G-A. GRCh37 (hg19) VCF-style: chr5-112043445-G-A.
Other names: c.-153G>A (NM_001354895.2, NM_001407447.1, NM_001407452.1 and 3 more transcripts); c.31G>A, p.Ala11Thr (NM_001354897.2, NM_001354902.2, NM_001407446.1); c.-1188G>A (NM_001407470.1, NM_001407472.1); c.-19+99G>A (NM_001407448.1, NM_001407450.1, NM_001407457.1 and 1 more transcripts); c.-43+99G>A (NM_001407453.1); short protein forms A11T.
Identifiers: ClinVar variation 1015447 (VCV001015447.47), dbSNP rs1750604515, ClinGen allele CA360611680.

ClinVar aggregate classification (germline): Uncertain significance (1 of 4 stars; one submission).

Conditions:
Familial adenomatous polyposis 1 (FAP1). Also called: FAMILIAL ADENOMATOUS POLYPOSIS 1, ATTENUATED; POLYPOSIS, ADENOMATOUS INTESTINAL. Identifiers: MedGen C2713442, MONDO:0021056, OMIM 175100. Disease mechanism: loss of function.

Allele frequency attached by ClinVar (database versions not stated): gnomAD exomes below 0.00001.
gnomAD v4.1: 2 of 1,370,602 alleles (0.00015%); highest among the groups gnomAD compares: Non-Finnish European, 0.00019%; no homozygotes.

Submission:

Labcorp Genetics (formerly Invitae), Labcorp
Classification: Uncertain significance for Familial adenomatous polyposis 1. Last evaluated: 2022-10-24. Review status: criteria provided, single submitter. Criteria: Invitae Variant Classification Sherloc (09022015). Collection method: clinical testing. Allele origin: germline.
Comment: This variant occurs in a non-coding region of the APC gene. It does not change the encoded amino acid sequence of the APC protein. This variant is not present in population databases (gnomAD no frequency). This variant has not been reported in the literature in individuals affected with APC-related conditions. Experimental studies and prediction algorithms are not available or were not evaluated, and the functional significance of this variant is currently unknown. In summary, the available evidence is currently insufficient to determine the role of this variant in disease. Therefore, it has been classified as a Variant of Uncertain Significance.